The following is an entry in ClinVar:

ClinVar aggregate classification (germline): Uncertain significance (1 of 4 stars; one submission).

Conditions:
Inborn genetic diseases. Identifiers: MedGen C0950123, MeSH D030342.

gnomAD v4.1: 3 of 1,502,556 alleles (0.0002%); highest among the groups gnomAD compares: African/African-American, 0.0028%; no homozygotes.

Submission:

Ambry Genetics
Classification: Uncertain significance for Inborn genetic diseases. Last evaluated: 2026-05-20. Review status: criteria provided, single submitter. Criteria: Ambry Variant Classification Scheme 2023. Collection method: clinical testing. Allele origin: germline.
Comment: The c.6848A>G (p.Q2283R) alteration is located in exon 9 (coding exon 7) of the ANKRD11 gene. This alteration results from a A to G substitution at nucleotide position 6848, causing the glutamine (Q) at amino acid position 2283 to be replaced by an arginine (R). Based on data from gnomAD, the G allele has an overall frequency of 0.001% (1/156876) total alleles studied. The highest observed frequency was 0.006% (1/16082) of African alleles. Based on insufficient or conflicting evidence, the clinical significance of this alteration remains unclear.

NM_013275.6(ANKRD11):c.6848A>G (p.Gln2283Arg)

Gene: ANKRD11 (ankyrin repeat domain 11; minus strand). Cytogenetic location: 16q24.3.
Variant type: single nucleotide variant.
Coding change: c.6848A>G on transcript NM_013275.6 (MANE Select); coding-DNA position 6848, A replaced by G.
Protein change: p.Gln2283Arg; replaces glutamine 2283 with arginine.
Molecular consequence: missense variant.
Genome position (GRCh38, 1-based): chr16:89,279,694, T>C on the plus strand (A>G on the coding strand, the complement: ANKRD11 is on the minus strand). VCF-style: chr16-89279694-T-C. GRCh37 (hg19) VCF-style: chr16-89346102-T-C.
Other names: c.6848A>G, p.Gln2283Arg (NM_001256182.2, NM_001256183.2); short protein forms Q2283R.
Identifiers: ClinVar variation 4858825 (VCV004858825.1).